The following is an entry in ClinVar:

NM_001134673.4(NFIA):c.656C>T (p.Thr219Ile)

Gene: NFIA (nuclear factor I A; plus strand). Cytogenetic location: 1p31.3.
Variant type: single nucleotide variant.
Coding change: c.656C>T on transcript NM_001134673.4 (MANE Select); coding-DNA position 656, C replaced by T.
Protein change: p.Thr219Ile; replaces threonine 219 with isoleucine.
Molecular consequence: missense variant.
Genome position (GRCh38, 1-based): chr1:61,332,542, C>T. VCF-style: chr1-61332542-C-T. GRCh37 (hg19) VCF-style: chr1-61798214-C-T.
Other names: c.632C>T, p.Thr211Ile (NM_001145511.2); c.791C>T, p.Thr264Ile (NM_001145512.2); c.656C>T, p.Thr219Ile (NM_005595.5); short protein forms T211I, T219I, T264I.
Identifiers: ClinVar variation 2446170 (VCV002446170.1), dbSNP rs372768940, ClinGen allele CA881013.
Genomic context (GRCh38, chr1:61,332,542, plus strand): 5'-CTTTGTTTTCTTTTGTTTTTGTTTCCCCAGGACATTTGGGCTTCCAGGACAGTTTTGTCA[C>T]ATCAGGTGTTTTTAGTGTCACTGAGCTAGTAAGAGTGTCACAGAGTAAGTATAATTTTGC-3'
Protein context (NP_001128145.1, residues 209-229): GHLGFQDSFV[Thr219Ile]SGVFSVTELV

ClinVar aggregate classification (germline): Uncertain significance (1 of 4 stars; one submission).

Allele frequency attached by ClinVar (database versions not stated): ExAC 0.00001; gnomAD exomes 0.00001; TOPMed 0.00001; ESP Exome Variant Server 0.00008.
gnomAD v4.1: 8 of 1,614,020 alleles (0.0005%); highest among the groups gnomAD compares: African/African-American, 0.0053%; no homozygotes.

Submission:

GeneDx
Classification: Uncertain significance. Last evaluated: 2023-03-22. Review status: criteria provided, single submitter. Criteria: GeneDx Variant Classification Process June 2021. Collection method: clinical testing. Allele origin: germline. Affected: yes.
Comment: Has not been previously published as pathogenic or benign to our knowledge; In silico analysis supports that this missense variant has a deleterious effect on protein structure/function